The following is an entry in ClinVar:

NM_001009944.3(PKD1):c.4388A>C (p.Gln1463Pro)

Gene: PKD1 (polycystin 1, transient receptor potential channel interacting; minus strand). Cytogenetic location: 16p13.3.
Variant type: single nucleotide variant.
Coding change: c.4388A>C on transcript NM_001009944.3 (MANE Select); coding-DNA position 4388, A replaced by C.
Protein change: p.Gln1463Pro; replaces glutamine 1463 with proline.
Molecular consequence: missense variant.
Genome position (GRCh38, 1-based): chr16:2,110,779, T>G on the plus strand (A>C on the coding strand, the complement: PKD1 is on the minus strand). VCF-style: chr16-2110779-T-G. GRCh37 (hg19) VCF-style: chr16-2160780-T-G.
Other names: c.4388A>C, p.Gln1463Pro (NM_000296.4); short protein forms Q1463P.
Identifiers: ClinVar variation 3359734 (VCV003359734.1).

ClinVar aggregate classification (germline): Uncertain significance (1 of 4 stars; one submission).

gnomAD v4.1: 1 of 1,610,994 alleles (0.000062%); highest among the groups gnomAD compares: Non-Finnish European, 0.000085%; no homozygotes.

Submission:

GeneDx
Classification: Uncertain significance. Last evaluated: 2023-06-13. Review status: criteria provided, single submitter. Criteria: GeneDx Variant Classification Process June 2021. Collection method: clinical testing. Allele origin: germline. Affected: yes.
Comment: Not observed at significant frequency in large population cohorts (gnomAD); In silico analysis supports that this missense variant has a deleterious effect on protein structure/function; Has not been previously published as pathogenic or benign to our knowledge